The following is an entry in ClinVar:

NM_001040142.2(SCN2A):c.118G>A (p.Glu40Lys)

Gene: SCN2A (sodium voltage-gated channel alpha subunit 2; plus strand). Cytogenetic location: 2q24.3.
Variant type: single nucleotide variant.
Coding change: c.118G>A on transcript NM_001040142.2 (MANE Select); coding-DNA position 118, G replaced by A.
Protein change: p.Glu40Lys; replaces glutamic acid 40 with lysine.
Molecular consequence: missense variant.
Genome position (GRCh38, 1-based): chr2:165,295,941, G>A. VCF-style: chr2-165295941-G-A. GRCh37 (hg19) VCF-style: chr2-166152451-G-A.
Other names: c.118G>A, p.Glu40Lys (NM_001371246.1, NM_001371247.1, NM_021007.3 and 1 more transcripts); short protein forms E40K.
Identifiers: ClinVar variation 1007516 (VCV001007516.9), dbSNP rs1553564192, ClinGen allele CA349010031.

ClinVar aggregate classification (germline): Uncertain significance (1 of 4 stars; one submission).

Conditions:
Developmental and epileptic encephalopathy, 11 (DEE11). Also called: Early infantile epileptic encephalopathy 11. Identifiers: Orphanet 1934, MedGen C3150987, MONDO:0013388, OMIM 613721.
Seizures, benign familial infantile, 3 (BFIS3). Also called: CONVULSIONS, BENIGN FAMILIAL INFANTILE, 3; Familial neonatal seizures. Identifiers: Orphanet 140927, Orphanet 306, MedGen C1843140, MONDO:0011904, OMIM 607745.

Allele frequency attached by ClinVar (database versions not stated): gnomAD exomes below 0.00001.
gnomAD v4.1: 1 of 1,614,094 alleles (0.000062%); highest among the groups gnomAD compares: Non-Finnish European, 0.000085%; no homozygotes.

Submission:

Labcorp Genetics (formerly Invitae), Labcorp
Classification: Uncertain significance for Seizures, benign familial infantile, 3; Developmental and epileptic encephalopathy, 11. Last evaluated: 2024-10-24. Review status: criteria provided, single submitter. Criteria: Invitae Variant Classification Sherloc (09022015). Collection method: clinical testing. Allele origin: germline.
Comment: This sequence change replaces glutamic acid, which is acidic and polar, with lysine, which is basic and polar, at codon 40 of the SCN2A protein (p.Glu40Lys). This variant is not present in population databases (gnomAD no frequency). This variant has not been reported in the literature in individuals affected with SCN2A-related conditions. ClinVar contains an entry for this variant (Variation ID: 1007516). Invitae Evidence Modeling of protein sequence and biophysical properties (such as structural, functional, and spatial information, amino acid conservation, physicochemical variation, residue mobility, and thermodynamic stability) indicates that this missense variant is not expected to disrupt SCN2A protein function with a negative predictive value of 95%. In summary, the available evidence is currently insufficient to determine the role of this variant in disease. Therefore, it has been classified as a Variant of Uncertain Significance.